The following is an entry in ClinVar:

NM_000052.7(ATP7A):c.2224A>T (p.Lys742Ter)

Gene: ATP7A (ATPase copper transporting alpha; plus strand). Cytogenetic location: Xq21.1.
Variant type: single nucleotide variant.
Coding change: c.2224A>T on transcript NM_000052.7 (MANE Select); coding-DNA position 2224, A replaced by T.
Protein change: p.Lys742Ter; replaces lysine 742 with a stop codon.
Molecular consequence: nonsense. On other transcripts: intron variant (1).
Genome position (GRCh38, 1-based): chrX:78,012,930, A>T. VCF-style: chrX-78012930-A-T. GRCh37 (hg19) VCF-style: chrX-77268427-A-T.
Other names: c.2172+1256A>T (NM_001282224.2); short protein forms K742*.
Identifiers: ClinVar variation 1725515 (VCV001725515.3), dbSNP rs2522354532, ClinGen allele CA413598730.

ClinVar aggregate classification (germline): Likely pathogenic (1 of 4 stars; one submission).

Conditions:
Menkes kinky-hair syndrome (MNK). Also called: Copper transport disease; Classic Menkes Disease; Menkes Disease. Identifiers: Orphanet 565, MedGen C0022716, MONDO:0010651, OMIM 309400.

Submission:

Myriad Genetics, Inc.
Classification: Likely pathogenic for Menkes kinky-hair syndrome. Last evaluated: 2022-03-29. Review status: criteria provided, single submitter. Criteria: Myriad Autosomal Dominant, Autosomal Recessive and X-Linked Classification Criteria (2023). Collection method: clinical testing. Allele origin: unknown.
Comment: NM_000052.5(ATP7A):c.2224A>T(K742*) is expected to be pathogenic in the context of ATP7A-related disorders. This variant is predicted to lead to an abnormal or absent protein product due to the creation of a premature termination codon in ATP7A, a gene where loss-of-function variants are known to be pathogenic. Please note: this variant was assessed in the context of healthy population screening.